The following is an entry in ClinVar:

ClinVar aggregate classification (germline): Uncertain significance (1 of 4 stars; one submission).

Conditions:
Autoimmune lymphoproliferative syndrome type 1. Also called: AUTOIMMUNE LYMPHOPROLIFERATIVE SYNDROME, TYPE I, AUTOSOMAL DOMINANT. Identifiers: Orphanet 3261, MedGen C2717884, MONDO:0011158, OMIM 601859.

Submission:

Labcorp Genetics (formerly Invitae), Labcorp
Classification: Uncertain significance for Autoimmune lymphoproliferative syndrome. Last evaluated: 2022-10-13. Review status: criteria provided, single submitter. Criteria: Invitae Variant Classification Sherloc (09022015). Collection method: clinical testing. Allele origin: germline.
Comment: ClinVar contains an entry for this variant (Variation ID: 1392172). This variant has not been reported in the literature in individuals affected with FAS-related conditions. This variant is not present in population databases (gnomAD no frequency). This sequence change replaces glutamic acid, which is acidic and polar, with lysine, which is basic and polar, at codon 87 of the FAS protein (p.Glu87Lys). Advanced modeling of protein sequence and biophysical properties (such as structural, functional, and spatial information, amino acid conservation, physicochemical variation, residue mobility, and thermodynamic stability) has been performed at Invitae for this missense variant, however the output from this modeling did not meet the statistical confidence thresholds required to predict the impact of this variant on FAS protein function. In summary, the available evidence is currently insufficient to determine the role of this variant in disease. Therefore, it has been classified as a Variant of Uncertain Significance. Algorithms developed to predict the effect of sequence changes on RNA splicing suggest that this variant may disrupt the consensus splice site.

NM_000043.6(FAS):c.259G>A (p.Glu87Lys)

Gene: FAS (Fas cell surface death receptor; plus strand). Cytogenetic location: 10q23.31.
Variant type: single nucleotide variant.
Coding change: c.259G>A on transcript NM_000043.6 (MANE Select); coding-DNA position 259, G replaced by A.
Protein change: p.Glu87Lys; replaces glutamic acid 87 with lysine.
Molecular consequence: missense variant. On other transcripts: non-coding transcript variant (4).
Genome position (GRCh38, 1-based): chr10:89,007,762, G>A. VCF-style: chr10-89007762-G-A. GRCh37 (hg19) VCF-style: chr10-90767519-G-A.
Other names: c.259G>A, p.Glu87Lys (NM_001320619.2, NM_152871.4, NM_152872.4); short protein forms E87K.
Identifiers: ClinVar variation 1392172 (VCV001392172.6), dbSNP rs2133503091, ClinGen allele CA377508207.
Genomic context (GRCh38, chr10:89,007,762, plus strand): 5'-GAAAGGAAAGCTAGGGACTGCACAGTCAATGGGGATGAACCAGACTGCGTGCCCTGCCAA[G>A]AAGGGAAGGAGTACACAGACAAAGCCCATTTTTCTTCCAAATGCAGAAGATGTAGATTGT-3'
Protein context (NP_000034.1, residues 77-97): GDEPDCVPCQ[Glu87Lys]GKEYTDKAHF